The following is an entry in ClinVar:

ClinVar aggregate classification (germline): Uncertain significance. Review status: criteria provided, multiple submitters, no conflicts (2 of 4 stars). 2 submissions from 2 submitters: Uncertain significance (2). Last evaluated 2025-10-02.

Conditions:
Inborn genetic diseases. Identifiers: MedGen C0950123, MeSH D030342.
Autosomal dominant nonsyndromic hearing loss 1. Also called: KONIGSMARK SYNDROME; DEAFNESS, AUTOSOMAL DOMINANT 1, WITH OR WITHOUT THROMBOCYTOPENIA. Identifiers: Orphanet 90635, MedGen C1852282, MONDO:0007424, OMIM 124900.
Progressive microcephaly-seizures-cortical blindness-developmental delay syndrome. Also called: Seizures, cortical blindness, and microcephaly syndrome. Identifiers: Orphanet 477814, MedGen C5567650, MONDO:0014714, OMIM 616632.

Allele frequency attached by ClinVar (database versions not stated): gnomAD exomes below 0.00001.
gnomAD v4.1: 1 of 1,614,120 alleles (0.000062%); highest among the groups gnomAD compares: African/African-American, 0.0013%; no homozygotes.

Submissions (2):

Labcorp Genetics (formerly Invitae), Labcorp
Classification: Uncertain significance for Progressive microcephaly-seizures-cortical blindness-developmental delay syndrome; Autosomal dominant nonsyndromic hearing loss 1. Last evaluated: 2025-10-02. Review status: criteria provided, single submitter. Criteria: Invitae Variant Classification Sherloc (09022015). Collection method: clinical testing. Allele origin: germline.
Comment: This sequence change replaces serine, which is neutral and polar, with phenylalanine, which is neutral and non-polar, at codon 575 of the DIAPH1 protein (p.Ser575Phe). This variant is not present in population databases (gnomAD no frequency). This variant has not been reported in the literature in individuals affected with DIAPH1-related conditions. ClinVar contains an entry for this variant (Variation ID: 2304195). Experimental studies and prediction algorithms are not available or were not evaluated, and the functional significance of this variant is currently unknown. In summary, the available evidence is currently insufficient to determine the role of this variant in disease. Therefore, it has been classified as a Variant of Uncertain Significance.

Ambry Genetics
Classification: Uncertain significance for Inborn genetic diseases. Last evaluated: 2022-08-01. Review status: criteria provided, single submitter. Criteria: Ambry Variant Classification Scheme 2023. Collection method: clinical testing. Allele origin: germline.

NM_005219.5(DIAPH1):c.1724C>T (p.Ser575Phe)

Gene: DIAPH1 (diaphanous related formin 1; minus strand). Cytogenetic location: 5q31.3.
Variant type: single nucleotide variant.
Coding change: c.1724C>T on transcript NM_005219.5 (MANE Select); coding-DNA position 1724, C replaced by T.
Protein change: p.Ser575Phe; replaces serine 575 with phenylalanine.
Molecular consequence: missense variant.
Genome position (GRCh38, 1-based): chr5:141,574,126, G>A on the plus strand (C>T on the coding strand, the complement: DIAPH1 is on the minus strand). VCF-style: chr5-141574126-G-A. GRCh37 (hg19) VCF-style: chr5-140953693-G-A.
Other names: c.1697C>T, p.Ser566Phe (NM_001079812.3); c.1724C>T, p.Ser575Phe (NM_001314007.2); short protein forms S575F, S566F.
Identifiers: ClinVar variation 2304195 (VCV002304195.3), dbSNP rs2513742529, ClinGen allele CA361521786.